The following is an entry in ClinVar:

NM_004369.4(COL6A3):c.6203_6210delinsTCT (p.Gly2068fs)

Gene: COL6A3 (collagen type VI alpha 3 chain; minus strand). Cytogenetic location: 2q37.3.
Variant type: Indel.
Coding change: c.6203_6210delinsTCT on transcript NM_004369.4 (MANE Select); coding-DNA positions 6203 to 6210, GTGGACCC replaced by TCT.
Protein change: p.Gly2068fs; shifts the reading frame from glycine 2068.
Molecular consequence: frameshift variant.
Genome position (GRCh38, 1-based): chr2:237,361,121-237,361,128, GGGTCCAC replaced by AGA on the plus strand (GTGGACCC replaced by TCT on the coding strand, the reverse complement: COL6A3 is on the minus strand). VCF-style: chr2-237361121-GGGTCCAC-AGA. GRCh37 (hg19) VCF-style: chr2-238269764-GGGTCCAC-AGA.
Other names: c.6203_6210delGTGGACCCinsTCT, p.Gly2068Valfs (NM_004369.3); c.4382_4389delinsTCT, p.Gly1461fs (NM_057166.5); c.5585_5592delinsTCT, p.Gly1862fs (NM_057167.4); short protein forms G1461fs, G1862fs, G2068fs.
Identifiers: ClinVar variation 4682467 (VCV004682467.1).

ClinVar aggregate classification (germline): Likely pathogenic (1 of 4 stars; one submission).

Submission:

Athena Diagnostics
Classification: Likely pathogenic. Last evaluated: 2025-09-24. Review status: criteria provided, single submitter. Criteria: Athena Diagnostics Criteria. Collection method: clinical testing. Allele origin: unknown.
Comment: This variant is expected to result in the loss of a functional protein. This variant has not been reported in large, multi-ethnic general populations.